The following is an entry in ClinVar:

ClinVar aggregate classification (germline): Uncertain significance (1 of 4 stars; one submission).

Conditions:
ABCB4-related disorder. Also called: ABCB4-related disorders; ABCB4-related condition.

Submission:

PreventionGenetics, part of Exact Sciences
Classification: Uncertain significance for ABCB4-related condition. Last evaluated: 2026-07-23. Review status: criteria provided, single submitter. Criteria: ACMG Guidelines, 2015. Collection method: clinical testing. Allele origin: germline.
Comment: The ABCB4 c.1657A>T variant is predicted to result in the amino acid substitution p.Ile553Phe. To our knowledge, this variant has not been reported in the literature or in a large population database (gnomAD), indicating this variant is rare. At this time, the clinical significance of this variant is uncertain due to the absence of conclusive functional and genetic evidence.

NM_000443.4(ABCB4):c.1657A>T (p.Ile553Phe)

Gene: ABCB4 (ATP binding cassette subfamily B member 4; minus strand). Cytogenetic location: 7q21.12.
Variant type: single nucleotide variant.
Coding change: c.1657A>T on transcript NM_000443.4 (MANE Select); coding-DNA position 1657, A replaced by T.
Protein change: p.Ile553Phe; replaces isoleucine 553 with phenylalanine.
Molecular consequence: missense variant.
Genome position (GRCh38, 1-based): chr7:87,439,741, T>A on the plus strand (A>T on the coding strand, the complement: ABCB4 is on the minus strand). VCF-style: chr7-87439741-T-A. GRCh37 (hg19) VCF-style: chr7-87069057-T-A.
Other names: c.1657A>T, p.Ile553Phe (NM_018849.3, NM_018850.3); short protein forms I553F.
Identifiers: ClinVar variation 4993531 (VCV004993531.1).
Genomic context (GRCh38, chr7:87,439,741, plus strand): 5'-CCTGTACCTCAGCTTCACTTTCTGTGTCCAATGCTGACGTGGCCTCATCCAGCAGAAGGA[T>A]CTTGGGGTTGCGAACCAGGGCACGTGCAATGGCGATCCTCTGCTTCTGCCCACCACTCAG-3'
Protein context (NP_000434.1, residues 543-563): IARALVRNPK[Ile553Phe]LLLDEATSAL